The following is an entry in ClinVar:

ClinVar aggregate classification (germline): Pathogenic. Review status: criteria provided, multiple submitters, no conflicts (2 of 4 stars). 2 submissions from 2 submitters: Pathogenic (2). Last evaluated 2024-06-30.

Conditions:
Duchenne muscular dystrophy (DMD). Also called: MUSCULAR DYSTROPHY, PSEUDOHYPERTROPHIC PROGRESSIVE, DUCHENNE TYPE; Duchenne Muscular Dystrophy (DMD). Identifiers: Orphanet 98896, MedGen C0013264, MONDO:0010679, OMIM 310200.

Submissions (2):

Labcorp Genetics (formerly Invitae), Labcorp
Classification: Pathogenic for Duchenne muscular dystrophy. Last evaluated: 2024-06-30. Review status: criteria provided, single submitter. Criteria: Invitae Variant Classification Sherloc (09022015). Collection method: clinical testing. Allele origin: germline.
Comment: This sequence change creates a premature translational stop signal (p.Glu1179*) in the DMD gene. It is expected to result in an absent or disrupted protein product. Loss-of-function variants in DMD are known to be pathogenic (PMID: 16770791, 25007885). This variant is not present in population databases (gnomAD no frequency). This variant has not been reported in the literature in individuals affected with DMD-related conditions. ClinVar contains an entry for this variant (Variation ID: 195967). For these reasons, this variant has been classified as Pathogenic.

Eurofins Ntd Llc (ga)
Classification: Pathogenic. Last evaluated: 2014-06-03. Review status: criteria provided, single submitter. Criteria: EGL Classification Definitions 2015. Collection method: clinical testing. Allele origin: germline. Observed: 1 variant allele, 1 heterozygote.

Literature cited by the submitters: PubMed 16770791 (cited by Labcorp Genetics (formerly Invitae), Labcorp); PubMed 25007885 (cited by Labcorp Genetics (formerly Invitae), Labcorp).

NM_004006.3(DMD):c.3535G>T (p.Glu1179Ter)

Gene: DMD (dystrophin; minus strand). Cytogenetic location: Xp21.1.
Variant type: single nucleotide variant.
Coding change: c.3535G>T on transcript NM_004006.3 (MANE Select); coding-DNA position 3535, G replaced by T.
Protein change: p.Glu1179Ter; replaces glutamic acid 1179 with a stop codon.
Molecular consequence: nonsense.
Genome position (GRCh38, 1-based): chrX:32,454,730, C>A on the plus strand (G>T on the coding strand, the complement: DMD is on the minus strand). VCF-style: chrX-32454730-C-A. GRCh37 (hg19) VCF-style: chrX-32472847-C-A.
Other names: c.3511G>T, p.Glu1171Ter (NM_000109.4); c.3523G>T, p.Glu1175Ter (NM_004009.3); c.3166G>T, p.Glu1056Ter (NM_004010.3); short protein forms E1179*, E1056*, E1175*, E1171*.
Identifiers: ClinVar variation 195967 (VCV000195967.7), dbSNP rs794727422, ClinGen allele CA275141.